The following is an entry in ClinVar:

NC_000018.9:g.(?_47721117)_(47721163_?)dup

Gene: MYO5B (myosin VB; minus strand). Cytogenetic location: 18q21.1.
Variant type: Duplication.
Identifiers: ClinVar variation 2423653 (VCV002423653.4).

ClinVar aggregate classification (germline): Uncertain significance (1 of 4 stars; one submission).

Submission:

Labcorp Genetics (formerly Invitae), Labcorp
Classification: Uncertain significance. Last evaluated: 2022-04-06. Review status: criteria provided, single submitter. Criteria: Invitae Variant Classification Sherloc (09022015). Collection method: clinical testing. Allele origin: germline.
Comment: This variant results in a copy number gain of the genomic region encompassing exon(s) 1 of the MYO5B gene. This region includes the initiator codon of the gene. This copy number gain extends beyond the assayed region for this gene and therefore may encompass additional genes. As the precise location of this event is unknown, it may be in tandem or it may be located elsewhere in the genome. This variant has not been reported in the literature in individuals affected with MYO5B-related conditions. Experimental studies and prediction algorithms are not available or were not evaluated, and the functional significance of this variant is currently unknown. In summary, the available evidence is currently insufficient to determine the role of this variant in disease. Therefore, it has been classified as a Variant of Uncertain Significance.